The following is an entry in ClinVar:

NM_020806.5(GPHN):c.1911-9_1911-8dup

Gene: GPHN (gephyrin; plus strand). Cytogenetic location: 14q23.3.
Variant type: Duplication.
Coding change: c.1911-9_1911-8dup on transcript NM_020806.5 (MANE Select); 9 bases into the intron before coding-DNA position 1911 through 8 bases into the intron before coding-DNA position 1911, 2 bases duplicated (TT; older notation c.1911-9_1911-8dupTT).
Molecular consequence: intron variant.
Genome position (GRCh38, 1-based): chr14:67,165,153-67,165,154, TT duplicated; duplicating any 2 consecutive bases within chr14:67,165,148-67,165,154 gives the same sequence; the c. name uses the placement nearest the transcript's 3' end. VCF-style (leftmost placement, unchanged base first): chr14-67165147-C-CTT. GRCh37 (hg19) VCF-style: chr14-67631864-C-CTT.
Other names: c.1911-9_1911-8dupTT (NM_020806.4); c.1971-9_1971-8dup (NM_001377514.1); c.1851-9_1851-8dup (NM_001377519.1); c.1941-9_1941-8dup (NM_001377515.1); c.1932-9_1932-8dup (NM_001377516.1); c.1869-9_1869-8dup (NM_001377518.1); c.1884-9_1884-8dup (NM_001377517.1); c.1812-9_1812-8dup (NM_001024218.2).
Identifiers: ClinVar variation 1670094 (VCV001670094.11), dbSNP rs757111014, ClinGen allele CA7234215.

ClinVar aggregate classification (germline): Benign/Likely benign. Review status: criteria provided, multiple submitters, no conflicts (2 of 4 stars). 3 submissions from 3 submitters: Benign (1); Likely benign (1). 1 of the submissions does not count toward it. Last evaluated 2026-02-02.

Conditions:
GPHN-related disorder. Also called: GPHN-related condition.
Sulfite oxidase deficiency due to molybdenum cofactor deficiency type C. Also called: Molybdenum cofactor deficiency, complementation group C; Molybdenum cofactor deficiency C. Identifiers: Orphanet 308400, Orphanet 833, MedGen C1854990, MONDO:0014212, OMIM 615501.

Submissions (3):

Labcorp Genetics (formerly Invitae), Labcorp
Classification: Benign for Sulfite oxidase deficiency due to molybdenum cofactor deficiency type C. Last evaluated: 2026-02-02. Review status: criteria provided, single submitter. Criteria: Invitae Variant Classification Sherloc (09022015). Collection method: clinical testing. Allele origin: germline.

Blueprint Genetics
Classification: Likely benign. Last evaluated: 2024-09-11. Review status: criteria provided, single submitter. Criteria: ACMG Guidelines, 2015. Collection method: clinical testing. Allele origin: germline.

PreventionGenetics, part of Exact Sciences
Classification: Likely benign for GPHN-related condition. Last evaluated: 2024-06-24. Review status: no assertion criteria provided. Collection method: clinical testing. Allele origin: germline. Not counted in ClinVar's aggregate classification.
Comment: This variant is classified as likely benign based on ACMG/AMP sequence variant interpretation guidelines (Richards et al. 2015 PMID: 25741868, with internal and published modifications).